The following is an entry in ClinVar:

ClinVar aggregate classification (germline): Benign/Likely benign. Review status: criteria provided, multiple submitters, no conflicts (2 of 4 stars). 3 submissions from 3 submitters: Benign (1); Likely benign (2). Last evaluated 2025-01-20.

Conditions:
Familial acute necrotizing encephalopathy (IIAE3). Also called: Susceptibility to Acute Necrotizing Encephalopathy 1; ENCEPHALOPATHY, ACUTE, INFECTION-INDUCED, SUSCEPTIBILITY TO, 3. Identifiers: Orphanet 88619, MedGen C2675556, MONDO:0011953, OMIM 608033.

Allele frequency attached by ClinVar (database versions not stated): gnomAD exomes 0.00009 and 0.00031; ExAC 0.00039; TOPMed 0.00116; gnomAD 0.00120 and 0.00129; 1000 Genomes Project 0.00140; 1000 Genomes Project 30x 0.00141; ESP Exome Variant Server 0.00192.
gnomAD v4.1: 311 of 1,613,700 alleles (0.019%); highest among the groups gnomAD compares: African/African-American, 0.39%; 2 homozygotes.

Submissions (3):

Labcorp Genetics (formerly Invitae), Labcorp
Classification: Benign for Familial acute necrotizing encephalopathy. Last evaluated: 2025-01-20. Review status: criteria provided, single submitter. Criteria: Invitae Variant Classification Sherloc (09022015). Collection method: clinical testing. Allele origin: germline.

Blueprint Genetics
Classification: Likely benign. Last evaluated: 2024-03-28. Review status: criteria provided, single submitter. Criteria: ACMG Guidelines, 2015. Collection method: clinical testing. Allele origin: germline.

GeneDx
Classification: Likely benign. Last evaluated: 2018-05-21. Review status: criteria provided, single submitter. Criteria: GeneDx Variant Classification (06012015). Collection method: clinical testing. Allele origin: germline. Affected: yes.
Comment: This variant is considered likely benign or benign based on one or more of the following criteria: it is a conservative change, it occurs at a poorly conserved position in the protein, it is predicted to be benign by multiple in silico algorithms, and/or has population frequency not consistent with disease.

NM_006267.5(RANBP2):c.5217C>T (p.Ala1739=)

Gene: RANBP2 (RAN binding protein 2; plus strand). Cytogenetic location: 2q13.
Variant type: single nucleotide variant.
Coding change: c.5217C>T on transcript NM_006267.5 (MANE Select); coding-DNA position 5217, C replaced by T.
Protein change: p.Ala1739=; no amino-acid change (alanine 1739 retained).
Molecular consequence: synonymous variant.
Genome position (GRCh38, 1-based): chr2:108,765,756, C>T. VCF-style: chr2-108765756-C-T. GRCh37 (hg19) VCF-style: chr2-109382212-C-T.
Identifiers: ClinVar variation 469469 (VCV000469469.15), dbSNP rs146460294, ClinGen allele CA1823237.